The following is an entry in ClinVar:

ClinVar aggregate classification (germline): Uncertain significance. Review status: criteria provided, multiple submitters, no conflicts (2 of 4 stars). 4 submissions from 4 submitters: Uncertain significance (3). 1 of the submissions does not count toward it. Last evaluated 2022-11-04.

Conditions:
Retinal dystrophy. Also called: Inherited retinal dystrophy. Identifiers: Orphanet 71862, MedGen C0854723, MeSH D058499, MONDO:0019118, HP:0000556.
Inborn genetic diseases. Identifiers: MedGen C0950123, MeSH D030342.
Ornithine aminotransferase deficiency (GACR). Also called: HYPERORNITHINEMIA WITH GYRATE ATROPHY OF CHOROID AND RETINA; OAT DEFICIENCY; OKT DEFICIENCY; Ornithine ketoacid aminotransferase deficiency; Gyrate atrophy; Gyrate atrophy of choroid and retina. Identifiers: Orphanet 414, MedGen C0018425, MONDO:0009796, OMIM 258870.

Allele frequency attached by ClinVar (database versions not stated): gnomAD exomes 0.00001; ExAC 0.00002; TOPMed 0.00003; gnomAD 0.00005; ESP Exome Variant Server 0.00015.
gnomAD v4.1: 24 of 1,613,898 alleles (0.0015%); highest among the groups gnomAD compares: Middle Eastern, 0.016%; no homozygotes.

Submissions (4):

Blueprint Genetics
Classification: Uncertain significance. Last evaluated: 2022-11-04. Review status: criteria provided, single submitter. Criteria: ACMG Guidelines, 2015. Collection method: clinical testing. Allele origin: germline.

Labcorp Genetics (formerly Invitae), Labcorp
Classification: Uncertain significance for Ornithine aminotransferase deficiency. Last evaluated: 2022-07-06. Review status: criteria provided, single submitter. Criteria: Invitae Variant Classification Sherloc (09022015). Collection method: clinical testing. Allele origin: germline.
Comment: This sequence change replaces arginine, which is basic and polar, with cysteine, which is neutral and slightly polar, at codon 217 of the OAT protein (p.Arg217Cys). This variant is present in population databases (rs370970194, gnomAD 0.02%). This variant has not been reported in the literature in individuals affected with OAT-related conditions. ClinVar contains an entry for this variant (Variation ID: 1399291). Algorithms developed to predict the effect of missense changes on protein structure and function are either unavailable or do not agree on the potential impact of this missense change (SIFT: "Deleterious"; PolyPhen-2: "Benign"; Align-GVGD: "Class C0"). In summary, the available evidence is currently insufficient to determine the role of this variant in disease. Therefore, it has been classified as a Variant of Uncertain Significance.

Ambry Genetics
Classification: Uncertain significance for Inborn genetic diseases. Last evaluated: 2021-08-12. Review status: criteria provided, single submitter. Criteria: Ambry Variant Classification Scheme 2023. Collection method: clinical testing. Allele origin: germline.

Institute of Human Genetics, Univ. Regensburg, Univ. Regensburg
Classification: Uncertain significance for Retinal dystrophy. Last evaluated: 2022-01-01. Review status: no assertion criteria provided. Criteria: ACMG Guidelines, 2015. Collection method: clinical testing. Allele origin: germline. Affected: yes. Not counted in ClinVar's aggregate classification.

NM_000274.4(OAT):c.649C>T (p.Arg217Cys)

Genes: OAT (ornithine aminotransferase; minus strand), LOC121815974 (Sharpr-MPRA regulatory region 15365; plus strand). Cytogenetic location: 10q26.13.
Variant type: single nucleotide variant.
Coding change: c.649C>T on transcript NM_000274.4 (MANE Select); coding-DNA position 649, C replaced by T.
Protein change: p.Arg217Cys; replaces arginine 217 with cysteine.
Molecular consequence: missense variant.
Genome position (GRCh38, 1-based): chr10:124,403,920, G>A on the plus strand (C>T on the coding strand, the complement: OAT is on the minus strand). VCF-style: chr10-124403920-G-A. GRCh37 (hg19) VCF-style: chr10-126092489-G-A.
Other names: c.649C>T (NM_000274.3); c.235C>T, p.Arg79Cys (NM_001171814.2); c.649C>T, p.Arg217Cys (NM_001322965.2, NM_001322966.2, NM_001322967.2 and 3 more transcripts); c.328C>T, p.Arg110Cys (NM_001322971.2); c.49C>T, p.Arg17Cys (NM_001322974.2); short protein forms R79C, R110C, R17C, R217C.
Identifiers: ClinVar variation 1399291 (VCV001399291.6), dbSNP rs370970194, ClinGen allele CA5733463.